The following is an entry in ClinVar:

NM_006005.3(WFS1):c.967_968delinsAT (p.His323Ile)

Gene: WFS1 (wolframin ER transmembrane glycoprotein; plus strand). Cytogenetic location: 4p16.1.
Variant type: Indel.
Coding change: c.967_968delinsAT on transcript NM_006005.3 (MANE Select); coding-DNA positions 967 to 968, CA replaced by AT.
Protein change: p.His323Ile; replaces histidine 323 with isoleucine.
Molecular consequence: missense variant.
Genome position (GRCh38, 1-based): chr4:6,300,762-6,300,763, CA replaced by AT. VCF-style: chr4-6300762-CA-AT. GRCh37 (hg19) VCF-style: chr4-6302489-CA-AT.
Other names: c.967_968delinsAT, p.His323Ile (NM_001145853.1); short protein forms H323I.
Identifiers: ClinVar variation 1932028 (VCV001932028.5), dbSNP rs2474192199, ClinGen allele CA2580071759.

ClinVar aggregate classification (germline): Uncertain significance (1 of 4 stars; one submission).

Submission:

Labcorp Genetics (formerly Invitae), Labcorp
Classification: Uncertain significance. Last evaluated: 2022-11-15. Review status: criteria provided, single submitter. Criteria: Invitae Variant Classification Sherloc (09022015). Collection method: clinical testing. Allele origin: germline.
Comment: This sequence change replaces histidine, which is basic and polar, with isoleucine, which is neutral and non-polar, at codon 323 of the WFS1 protein (p.His323Ile). This variant has not been reported in the literature in individuals affected with WFS1-related conditions. Information on the frequency of this variant in the gnomAD database is not available, as this variant may be reported differently in the database. Algorithms developed to predict the effect of missense changes on protein structure and function are either unavailable or do not agree on the potential impact of this missense change (SIFT: "Not Available"; PolyPhen-2: "Possibly Damaging"; Align-GVGD: "Not Available"). In summary, the available evidence is currently insufficient to determine the role of this variant in disease. Therefore, it has been classified as a Variant of Uncertain Significance.